The following is an entry in ClinVar:

NM_007294.4(BRCA1):c.301+10G>C

Gene: BRCA1 (BRCA1 DNA repair associated; minus strand). Cytogenetic location: 17q21.31.
Variant type: single nucleotide variant.
Coding change: c.301+10G>C on transcript NM_007294.4 (MANE Select); 10 bases into the intron after coding-DNA position 301, G replaced by C.
Molecular consequence: intron variant.
Genome position (GRCh38, 1-based): chr17:43,104,858, C>G on the plus strand (G>C on the coding strand, the complement: BRCA1 is on the minus strand). VCF-style: chr17-43104858-C-G. GRCh37 (hg19) VCF-style: chr17-41256875-C-G.
Other names: c.160+10G>C (NM_001408458.1, NM_001407931.1, NM_001407747.1 and 99 more transcripts); c.-218-9998G>C (NM_001407967.1, NM_001407966.1); c.-81+10G>C (NM_001407959.1, NM_001407962.1, NM_001408512.1 and 4 more transcripts); c.91+10G>C (NM_001407885.1, NM_001407886.1, NM_001407898.1 and 58 more transcripts); c.301+10G>C (NM_001407686.1, NM_001408397.1, NM_001407632.1 and 164 more transcripts); c.169+10G>C (NM_001408451.1); c.223+10G>C (NM_001408475.1, NM_001407875.1, NM_001407659.1 and 21 more transcripts); c.292+19G>C (NM_001408408.1, NM_001407647.1, NM_001407646.1).
Identifiers: ClinVar variation 868374 (VCV000868374.3), dbSNP rs80358001, ClinGen allele CA626081342.
Genomic context (GRCh38, chr17:43,104,858, plus strand): 5'-TAATTGTGCAAACTTCCTGAGTTTTCATGGACAGCACTTGAGTGTCATTCTTGGGATATT[C>G]AACACTTACACTCCAAACCTGTGTCAAGCTGAAAAGCACAAATGATTTTCAATAGCTCTT-3'

Conditions:
Breast-ovarian cancer, familial, susceptibility to, 1 (BROVCA1). Also called: BRCA1 Hereditary Breast and Ovarian Cancer; OVARIAN CANCER, SUSCEPTIBILITY TO. Identifiers: Orphanet 145, MedGen C2676676, MONDO:0011450, OMIM 604370. Disease mechanism: loss of function.

Submission:

Brotman Baty Institute, University of Washington
No classification provided (evidence only). Condition: Breast-ovarian cancer, familial 1. Review status: no classification provided. Collection method: in vitro. Allele origin: not applicable. Functional consequence: functionally_abnormal.
ClinVar note: "not provided" was previously submitted as the classification for the variant. However, the classification appeared to be based only on an observation of functional data so it was converted to no classification on 2025-07-30.